The following is an entry in ClinVar:

ClinVar aggregate classification (germline): Likely pathogenic (1 of 4 stars; one submission).

Conditions:
Thrombophilia due to protein S deficiency, autosomal recessive (THPH6). Identifiers: Orphanet 743, MedGen C3281092, MONDO:0013791, OMIM 614514. Disease mechanism: loss of function.

Submission:

Labcorp Genetics (formerly Invitae), Labcorp
Classification: Likely pathogenic for Thrombophilia due to protein S deficiency, autosomal recessive. Last evaluated: 2021-02-16. Review status: criteria provided, single submitter. Criteria: Invitae Variant Classification Sherloc (09022015). Collection method: clinical testing. Allele origin: germline.
Comment: This variant has been observed in individual(s) with clinical features of Protein S deficiency (PMID: 10613647). This variant also known as p.Ile521lLeu in the literature. In at least one individual the variant was observed to be de novo. This variant is not present in population databases (ExAC no frequency). This sequence change replaces isoleucine with leucine at codon 562 of the PROS1 protein (p.Ile562Leu). The isoleucine residue is weakly conserved and there is a small physicochemical difference between isoleucine and leucine. Experimental studies are conflicting or provide insufficient evidence to determine the effect of this variant on PROS1 protein function (PMID: 15712227). In summary, the currently available evidence indicates that the variant is pathogenic, but additional data are needed to prove that conclusively. Therefore, this variant has been classified as Likely Pathogenic.

Literature cited by the submitters: PubMed 10613647; PubMed 15712227.

NM_000313.4(PROS1):c.1684A>T (p.Ile562Leu)

Gene: PROS1 (protein S; minus strand). Cytogenetic location: 3q11.1.
Variant type: single nucleotide variant.
Coding change: c.1684A>T on transcript NM_000313.4 (MANE Select); coding-DNA position 1684, A replaced by T.
Protein change: p.Ile562Leu; replaces isoleucine 562 with leucine.
Molecular consequence: missense variant.
Genome position (GRCh38, 1-based): chr3:93,877,152, T>A on the plus strand (A>T on the coding strand, the complement: PROS1 is on the minus strand). VCF-style: chr3-93877152-T-A. GRCh37 (hg19) VCF-style: chr3-93595996-T-A.
Other names: c.1780A>T, p.Ile594Leu (NM_001314077.2); short protein forms I594L, I562L.
Identifiers: ClinVar variation 1491043 (VCV001491043.8), dbSNP rs1380889353, ClinGen allele CA353671417.
Genomic context (GRCh38, chr3:93,877,152, plus strand): 5'-TTCTGTTGACTCTAAATTCCAGATGAGATTGTTGATCGGAACATAGACTTAGGGCCTGTA[T>A]CCGATATATTACAGTATTTTCAACAGATAACAGAATATCCTGAAGAGCAGAGCAAAGATT-3'
Protein context (NP_000304.2, residues 552-572): LSVENTVIYR[Ile562Leu]QALSLCSDQQ